The following is an entry in ClinVar:

NM_000138.5(FBN1):c.568A>C (p.Ile190Leu)

Gene: FBN1 (fibrillin 1; minus strand). Cytogenetic location: 15q21.1.
Variant type: single nucleotide variant.
Coding change: c.568A>C on transcript NM_000138.5 (MANE Select); coding-DNA position 568, A replaced by C.
Protein change: p.Ile190Leu; replaces isoleucine 190 with leucine.
Molecular consequence: missense variant.
Genome position (GRCh38, 1-based): chr15:48,537,779, T>G on the plus strand (A>C on the coding strand, the complement: FBN1 is on the minus strand). VCF-style: chr15-48537779-T-G. GRCh37 (hg19) VCF-style: chr15-48829976-T-G.
Other names: short protein forms I190L.
Identifiers: ClinVar variation 1315175 (VCV001315175.2), dbSNP rs147107676, ClinGen allele CA392446139.

ClinVar aggregate classification (germline): Uncertain significance (1 of 4 stars; one submission).

Submission:

GeneDx
Classification: Uncertain significance. Last evaluated: 2020-10-05. Review status: criteria provided, single submitter. Criteria: GeneDx Variant Classification Process June 2021. Collection method: clinical testing. Allele origin: germline. Affected: yes.
Comment: Not observed in large population cohorts (Lek et al., 2016); In silico analysis supports that this missense variant does not alter protein structure/function; Has not been previously published as pathogenic or benign to our knowledge